The following is an entry in ClinVar:

ClinVar aggregate classification (germline): Likely benign (1 of 4 stars; one submission).

Allele frequency attached by ClinVar (database versions not stated): ESP Exome Variant Server 0.00054; TOPMed 0.00054; ExAC 0.00125.
gnomAD v4.1: 740 of 1,602,114 alleles (0.046%); highest among the groups gnomAD compares: Admixed American, 0.02%; 4 homozygotes.

Submission:

CeGaT Center for Human Genetics Tuebingen
Classification: Likely benign. Last evaluated: 2022-03-01. Review status: criteria provided, single submitter. Criteria: CeGaT Center For Human Genetics Tuebingen Variant Classification Criteria Version 2. Collection method: clinical testing. Allele origin: germline. Affected: yes. Observed: 1 variant allele.
Comment: PPL: BS1

NM_002705.5(PPL):c.1417G>A (p.Val473Met)

Gene: PPL (periplakin; minus strand). Cytogenetic location: 16p13.3.
Variant type: single nucleotide variant.
Coding change: c.1417G>A on transcript NM_002705.5 (MANE Select); coding-DNA position 1417, G replaced by A.
Protein change: p.Val473Met; replaces valine 473 with methionine.
Molecular consequence: missense variant.
Genome position (GRCh38, 1-based): chr16:4,893,616, C>T on the plus strand (G>A on the coding strand, the complement: PPL is on the minus strand). VCF-style: chr16-4893616-C-T. GRCh37 (hg19) VCF-style: chr16-4943617-C-T.
Other names: short protein forms V473M.
Identifiers: ClinVar variation 2646171 (VCV002646171.24), dbSNP rs202175086, ClinGen allele CA7886563.
Genomic context (GRCh38, chr16:4,893,616, plus strand): 5'-TCTTCAGCACCTCATACCGCTGCTGCAGCGTGCGTTTGCTCCCAGCTGCCTTCTGCCGCA[C>T]GCTCCGGTACTGGCTGCCCAGGCTGTGAGGACAGAAATGAGCTGGGAACCTGGGCAGCCC-3'
Protein context (NP_002696.4, residues 463-483): ADSLGSQYRS[Val473Met]RQKAAGSKRT